The following is an entry in ClinVar:

ClinVar aggregate classification (germline): Uncertain significance (1 of 4 stars; one submission).

Submission:

Labcorp Genetics (formerly Invitae), Labcorp
Classification: Uncertain significance. Last evaluated: 2020-10-15. Review status: criteria provided, single submitter. Criteria: Invitae Variant Classification Sherloc (09022015). Collection method: clinical testing. Allele origin: germline.
Comment: A copy number gain of the genomic region encompassing the full coding sequence of the RIPK1 gene has been identified. The boundaries of this event are unknown as they extend beyond the assayed region for this gene and therefore may encompass additional genes. As the precise location of this event is unknown, it may be in tandem or it may be located elsewhere in the genome. This variant has not been reported in the literature in individuals with RIPK1-related conditions. In summary, the available evidence is currently insufficient to determine the role of this variant in disease. Therefore, it has been classified as a Variant of Uncertain Significance.

NC_000006.11:g.(?_2833842)_(3227777_?)dup

Genes: BPHL (biphenyl hydrolase like; plus strand), NQO2 (N-ribosyldihydronicotinamide:quinone dehydrogenase 2; plus strand), RIPK1 (receptor interacting serine/threonine kinase 1; plus strand), SERPINB1 (serpin family B member 1; minus strand), SERPINB6 (serpin family B member 6; minus strand) and 3 more. Cytogenetic location: 6p25.2.
Variant type: Duplication.
Identifiers: ClinVar variation 1023045 (VCV001023045.1).